The following is an entry in ClinVar:

ClinVar aggregate classification (germline): Uncertain significance (1 of 4 stars; one submission).

Conditions:
Dyskeratosis congenita, autosomal dominant 1 (DKCA1). Also called: Dyskeratosis congenita Scoggins type. Identifiers: Orphanet 1775, MedGen C4551974, MONDO:0007485, OMIM 127550. Inheritance: Variable.

Submission:

Labcorp Genetics (formerly Invitae), Labcorp
Classification: Uncertain significance for Dyskeratosis congenita, autosomal dominant 1. Last evaluated: 2021-05-19. Review status: criteria provided, single submitter. Criteria: Invitae Variant Classification Sherloc (09022015). Collection method: clinical testing. Allele origin: germline.
Comment: In summary, the available evidence is currently insufficient to determine the role of this variant in disease. Therefore, it has been classified as a Variant of Uncertain Significance. This variant is located within the template/pseudoknot domain of the TERC RNA component, which is required for RNA or RNP stability (PMID: 15082312, 21844345). A significant number of previously reported TERC mutations are found in this domain (PMID: 15082312, 21844345, 21931702). These observations suggest that this may be a clinically significant region. This variant has not been reported in the literature in individuals with TERC-related conditions. This variant is not present in population databases (ExAC no frequency). This variant occurs in the TERC gene, which encodes an RNA molecule that does not result in a protein product.

Literature cited by the submitters: PubMed 15082312; PubMed 21844345; PubMed 21931702.

NR_001566.3(TERC):n.124delG

Genes: TERC (telomerase RNA component; minus strand), LOC110806306 (telomerase RNA component (TERC) promoter; plus strand). Cytogenetic location: 3q26.2.
Variant type: Deletion.
Genome position: GRCh38 VCF-style: chr3-169764935-TC-T. GRCh37 (hg19) VCF-style: chr3-169482723-TC-T.
Identifiers: ClinVar variation 1428637 (VCV001428637.8), dbSNP rs2108183234, ClinGen allele CA2573136776.